The following is an entry in ClinVar:

NM_003680.4(YARS1):c.190A>C (p.Lys64Gln)

Gene: YARS1 (tyrosyl-tRNA synthetase 1; minus strand). Cytogenetic location: 1p35.1.
Variant type: single nucleotide variant.
Coding change: c.190A>C on transcript NM_003680.4 (MANE Select); coding-DNA position 190, A replaced by C.
Protein change: p.Lys64Gln; replaces lysine 64 with glutamine.
Molecular consequence: missense variant.
Genome position (GRCh38, 1-based): chr1:32,810,925, T>G on the plus strand (A>C on the coding strand, the complement: YARS1 is on the minus strand). VCF-style: chr1-32810925-T-G. GRCh37 (hg19) VCF-style: chr1-33276526-T-G.
Other names: short protein forms K64Q.
Identifiers: ClinVar variation 994597 (VCV000994597.10), dbSNP rs1322723317, ClinGen allele CA339687465.

ClinVar aggregate classification (germline): Uncertain significance. Review status: criteria provided, multiple submitters, no conflicts (2 of 4 stars). 2 submissions from 2 submitters: Uncertain significance (2). Last evaluated 2022-10-01.

Conditions:
Charcot-Marie-Tooth disease dominant intermediate C (CMTDIC). Also called: CHARCOT-MARIE-TOOTH NEUROPATHY, DOMINANT INTERMEDIATE C. Identifiers: Orphanet 100045, MedGen C1842237, MONDO:0012012, OMIM 608323.

Allele frequency attached by ClinVar (database versions not stated): gnomAD exomes below 0.00001; TOPMed below 0.00001; gnomAD 0.00001.
gnomAD v4.1: 3 of 1,614,024 alleles (0.00019%); highest among the groups gnomAD compares: Admixed American, 0.005%; no homozygotes.

Submissions (2):

Labcorp Genetics (formerly Invitae), Labcorp
Classification: Uncertain significance for Charcot-Marie-Tooth disease dominant intermediate C. Last evaluated: 2022-10-01. Review status: criteria provided, single submitter. Criteria: Invitae Variant Classification Sherloc (09022015). Collection method: clinical testing. Allele origin: germline.
Comment: In summary, the available evidence is currently insufficient to determine the role of this variant in disease. Therefore, it has been classified as a Variant of Uncertain Significance. This sequence change replaces lysine, which is basic and polar, with glutamine, which is neutral and polar, at codon 64 of the YARS protein (p.Lys64Gln). This variant is present in population databases (no rsID available, gnomAD 0.003%). This variant has not been reported in the literature in individuals affected with YARS-related conditions. ClinVar contains an entry for this variant (Variation ID: 994597). Advanced modeling of protein sequence and biophysical properties (such as structural, functional, and spatial information, amino acid conservation, physicochemical variation, residue mobility, and thermodynamic stability) performed at Invitae indicates that this missense variant is not expected to disrupt YARS protein function.

Athena Diagnostics
Classification: Uncertain significance. Last evaluated: 2020-02-24. Review status: criteria provided, single submitter. Criteria: Athena Diagnostics Criteria. Collection method: clinical testing. Allele origin: unknown.